The following is an entry in ClinVar:

NM_001282717.2(STAG3):c.3424G>A (p.Val1142Ile)

Gene: STAG3 (STAG3 cohesin complex component; plus strand). Cytogenetic location: 7q22.1.
Variant type: single nucleotide variant.
Coding change: c.3424G>A on transcript NM_001282717.2 (MANE Select); coding-DNA position 3424, G replaced by A.
Protein change: p.Val1142Ile; replaces valine 1142 with isoleucine.
Molecular consequence: missense variant. On other transcripts: non-coding transcript variant (2).
Genome position (GRCh38, 1-based): chr7:100,211,445, G>A. VCF-style: chr7-100211445-G-A. GRCh37 (hg19) VCF-style: chr7-99809068-G-A.
Other names: c.3421G>A, p.Val1141Ile (NM_001282716.1, NM_012447.4); c.3247G>A, p.Val1083Ile (NM_001282718.2); c.3424G>A, p.Val1142Ile (NM_001375438.1); short protein forms V1083I, V1141I, V1142I.
Identifiers: ClinVar variation 4873268 (VCV004873268.2).

ClinVar aggregate classification (germline): Uncertain significance (1 of 4 stars; one submission).

gnomAD v4.1: 23 of 1,613,526 alleles (0.0014%); highest among the groups gnomAD compares: Non-Finnish European, 0.0017%; no homozygotes.

Submission:

CeGaT Center for Human Genetics Tuebingen
Classification: Uncertain significance. Last evaluated: 2026-04-01. Review status: criteria provided, single submitter. Criteria: CeGaT Center For Human Genetics Tuebingen Variant Classification Criteria Version 2. Collection method: clinical testing. Allele origin: germline. Affected: yes. Observed: 1 variant allele.
Comment: STAG3: PM2, BP4